The following is an entry in ClinVar:

NM_005591.4(MRE11):c.634A>G (p.Asn212Asp)

Gene: MRE11 (MRE11 double strand break repair nuclease; minus strand). Cytogenetic location: 11q21.
Variant type: single nucleotide variant.
Coding change: c.634A>G on transcript NM_005591.4 (MANE Select); coding-DNA position 634, A replaced by G.
Protein change: p.Asn212Asp; replaces asparagine 212 with aspartic acid.
Molecular consequence: missense variant.
Genome position (GRCh38, 1-based): chr11:94,476,314, T>C on the plus strand (A>G on the coding strand, the complement: MRE11 is on the minus strand). VCF-style: chr11-94476314-T-C. GRCh37 (hg19) VCF-style: chr11-94209480-T-C.
Other names: c.634A>G, p.Asn212Asp (NM_001330347.2, NM_005590.4); short protein forms N212D.
Identifiers: ClinVar variation 185117 (VCV000185117.14), dbSNP rs754184272, ClinGen allele CA191083.

ClinVar aggregate classification (germline): Uncertain significance. Review status: criteria provided, multiple submitters, no conflicts (2 of 4 stars). 3 submissions from 3 submitters: Uncertain significance (3). Last evaluated 2025-09-27.

Conditions:
Ataxia-telangiectasia-like disorder (ATLD). Identifiers: MedGen C1858391, MONDO:0011457.
Hereditary cancer-predisposing syndrome. Also called: Hereditary neoplastic syndrome; Neoplastic Syndromes, Hereditary; Tumor predisposition; Hereditary Cancer Syndrome. Identifiers: Orphanet 140162, MedGen C0027672, MeSH D009386, MONDO:0015356.
Ataxia-telangiectasia-like disorder 1 (ATLD1). Identifiers: Orphanet 251347, MedGen C4012790, MONDO:0024557, OMIM 604391.

Allele frequency attached by ClinVar (database versions not stated): gnomAD exomes below 0.00001 and 0.00001; ExAC 0.00002.
gnomAD v4.1: 4 of 1,612,876 alleles (0.00025%); highest among the groups gnomAD compares: South Asian, 0.0044%; no homozygotes.

Submissions (3):

Ambry Genetics
Classification: Uncertain significance for Hereditary cancer-predisposing syndrome. Last evaluated: 2025-09-27. Review status: criteria provided, single submitter. Criteria: Ambry Variant Classification Scheme 2023. Collection method: clinical testing. Allele origin: germline.
Comment: The p.N212D variant (also known as c.634A>G), located in coding exon 6 of the MRE11A gene, results from an A to G substitution at nucleotide position 634. The asparagine at codon 212 is replaced by aspartic acid, an amino acid with highly similar properties. This amino acid position is highly conserved in available vertebrate species. In addition, the in silico prediction for this alteration is inconclusive. Since supporting evidence is limited at this time, the clinical significance of this alteration remains unclear.

Labcorp Genetics (formerly Invitae), Labcorp
Classification: Uncertain significance for Ataxia-telangiectasia-like disorder. Last evaluated: 2024-11-18. Review status: criteria provided, single submitter. Criteria: Invitae Variant Classification Sherloc (09022015). Collection method: clinical testing. Allele origin: germline.
Comment: This sequence change replaces asparagine, which is neutral and polar, with aspartic acid, which is acidic and polar, at codon 212 of the MRE11 protein (p.Asn212Asp). This variant is present in population databases (rs754184272, gnomAD 0.007%). This variant has not been reported in the literature in individuals affected with MRE11-related conditions. ClinVar contains an entry for this variant (Variation ID: 185117). An algorithm developed to predict the effect of missense changes on protein structure and function (PolyPhen-2) suggests that this variant is likely to be disruptive. In summary, the available evidence is currently insufficient to determine the role of this variant in disease. Therefore, it has been classified as a Variant of Uncertain Significance.

Neuberg Centre For Genomic Medicine, NCGM
Classification: Uncertain significance for Ataxia-telangiectasia-like disorder 1. Last evaluated: 2023-06-22. Review status: criteria provided, single submitter. Criteria: ACMG Guidelines, 2015. Collection method: clinical testing. Allele origin: germline. Inheritance: Autosomal recessive inheritance. Affected: yes.
Comment: The observed missense c.634A>G (p.Asn212Asp) variant in MRE11 gene has not been reported previously as a pathogenic variant nor as a benign variant, to our knowledge. The p.Asn212Asp variant is present with allele frequency of 0.001% in gnomAD Exomes. This variant has been submitted to the ClinVar database as Uncertain Significance. Multiple lines of computational evidence (Polyphen - Probably damaging, SIFT – Damaging and Mutation Taster - Disease causing) predict a damaging effect on protein structure and function for this variant. The reference amino acid at this position on MRE11 gene is predicted as conserved by GERP++ and PhyloP across 100 vertebrates. The amino acid Asn at position 212 is changed to a Asp changing protein sequence and it might alter its composition and physico-chemical properties. For these reasons, this variant has been classified as Variant of Uncertain Significance (VUS). In the absence of another reportable variant in MRE11 gene, the molecular diagnosis is not confirmed.